The following is an entry in ClinVar:

NM_001276270.2(MBD4):c.1330del (p.Glu444fs)

Gene: MBD4 (methyl-CpG binding domain 4, DNA glycosylase; minus strand). Cytogenetic location: 3q21.3.
Variant type: Deletion.
Coding change: c.1330del on transcript NM_001276270.2 (MANE Select); coding-DNA position 1330, one base deleted (G; older notation c.1330delG).
Protein change: p.Glu444fs; shifts the reading frame from glutamic acid 444.
Molecular consequence: frameshift variant.
Genome position (GRCh38, 1-based): chr3:129,433,913, C deleted on the plus strand (G on the coding strand, the reverse complement: MBD4 is on the minus strand). VCF-style (leftmost placement, unchanged base first): chr3-129433912-TC-T. GRCh37 (hg19) VCF-style: chr3-129152755-TC-T.
Other names: c.394del, p.Glu132fs (NM_001276273.2); c.1348del, p.Glu450fs (NM_003925.3, NM_001276271.2, NM_001276272.2); c.1330delG (NM_001276270.2); short protein forms E450fs, E132fs, E444fs.
Identifiers: ClinVar variation 4104588 (VCV004104588.1).

ClinVar aggregate classification (germline): Pathogenic (1 of 4 stars; one submission).

Conditions:
Inborn genetic diseases. Identifiers: MedGen C0950123, MeSH D030342.

Submission:

Ambry Genetics
Classification: Pathogenic for Inborn genetic diseases. Last evaluated: 2025-06-26. Review status: criteria provided, single submitter. Criteria: Ambry Variant Classification Scheme 2023. Collection method: clinical testing. Allele origin: germline.
Comment: The c.1330delG pathogenic mutation, located in coding exon 5 of the MBD4 gene, results from a deletion of one nucleotide at nucleotide position 1330, causing a translational frameshift with a predicted alternate stop codon (p.E444Kfs*41). This variant is considered to be rare based on population cohorts in the Genome Aggregation Database (gnomAD). This alteration is expected to result in loss of function by premature protein truncation or nonsense-mediated mRNA decay. As such, this alteration is interpreted as a disease-causing mutation.